The following is an entry in ClinVar:

NM_001130144.3(LTBP3):c.1187-25_1187del

Gene: LTBP3 (latent transforming growth factor beta binding protein 3; minus strand). Cytogenetic location: 11q13.1.
Variant type: Deletion.
Coding change: c.1187-25_1187del on transcript NM_001130144.3 (MANE Select); 25 bases into the intron before coding-DNA position 1187 through coding-DNA position 1187, 26 bases deleted (CCATGCCCCCCACTGGCCCCTGCAGC).
Molecular consequence: splice acceptor variant.
Genome position (GRCh38, 1-based): chr11:65,552,406-65,552,431, GCTGCAGGGGCCAGTGGGGGGCATGG deleted on the plus strand (CCATGCCCCCCACTGGCCCCTGCAGC on the coding strand, the reverse complement: LTBP3 is on the minus strand); deleting any 26 consecutive bases within chr11:65,552,406-65,552,433 gives the same sequence; the c. name uses the placement nearest the transcript's 3' end. VCF-style (leftmost placement, unchanged base first): chr11-65552405-TGCTGCAGGGGCCAGTGGGGGGCATGG-T. GRCh37 (hg19) VCF-style: chr11-65319876-TGCTGCAGGGGCCAGTGGGGGGCATGG-T.
Other names: c.836-25_836del (NM_001164266.1); c.1187-25_1187del (NM_021070.4).
Identifiers: ClinVar variation 4699641 (VCV004699641.1).
Genomic context (GRCh38, chr11:65,552,405, plus strand): 5'-CTGGCACTGGTGCTCAGGGCTCACCAGGCGGAAACACAGGCTCTTCTCCTCCGGTTTGTC[TGCTGCAGGGGCCAGTGGGGGGCATGG>T]GCATCTGAGCCTGCACATTGCCCACGTCCCTCTGCCCAGCTGCTGCAGACCTTGCCTCTC-3'

ClinVar aggregate classification (germline): Likely pathogenic (1 of 4 stars; one submission).

Conditions:
Brachyolmia-amelogenesis imperfecta syndrome. Also called: PLATYSPONDYLY WITH AMELOGENESIS IMPERFECTA; Tooth agenesis, selective, 6; Dental anomalies and short stature. Identifiers: Orphanet 2899, MedGen C1832594, MONDO:0011018, OMIM 601216. Disease mechanism: loss of function.

Submission:

Labcorp Genetics (formerly Invitae), Labcorp
Classification: Likely pathogenic for Brachyolmia-amelogenesis imperfecta syndrome. Last evaluated: 2025-04-08. Review status: criteria provided, single submitter. Criteria: Invitae Variant Classification Sherloc (09022015). Collection method: clinical testing. Allele origin: germline.
Comment: This variant results in the deletion of part of exon 7 of the LTBP3 gene. It is expected to disrupt RNA splicing. Variants that disrupt the donor or acceptor splice site typically lead to a loss of protein function (PMID: 16199547), and loss-of-function variants in LTBP3 are known to be pathogenic (PMID: 11790802, 19344874, 25669657). This variant is present in population databases (rs756715710, gnomAD 0.0009%). This variant has not been reported in the literature in individuals affected with LTBP3-related conditions. In summary, the currently available evidence indicates that the variant is pathogenic, but additional data are needed to prove that conclusively. Therefore, this variant has been classified as Likely Pathogenic.

Literature cited by the submitters: PubMed 16199547; PubMed 11790802; PubMed 19344874; PubMed 25669657.